The following is an entry in ClinVar:

ClinVar aggregate classification (germline): Benign. Review status: criteria provided, multiple submitters, no conflicts (2 of 4 stars). 2 submissions from 2 submitters: Benign (2). Last evaluated 2018-06-14.

Allele frequency attached by ClinVar (database versions not stated): 1000 Genomes Project 0.55711; 1000 Genomes Project 30x 0.55887; ExAC 0.58717; gnomAD exomes 0.58804; TOPMed 0.60216; ESP Exome Variant Server 0.60464; gnomAD 0.60552 and 0.61049.
gnomAD v4.1: 937,970 of 1,599,842 alleles (59%); highest among the groups gnomAD compares: Admixed American, 66%; 277,443 homozygotes.

Submissions (2):

GeneDx
Classification: Benign. Last evaluated: 2018-06-14. Review status: criteria provided, single submitter. Criteria: GeneDx Variant Classification (06012015). Collection method: clinical testing. Allele origin: germline. Affected: yes.
Comment: This variant is considered likely benign or benign based on one or more of the following criteria: it is a conservative change, it occurs at a poorly conserved position in the protein, it is predicted to be benign by multiple in silico algorithms, and/or has population frequency not consistent with disease.

Breakthrough Genomics
Classification: Benign. Review status: criteria provided, single submitter. Criteria: ACMG Guidelines, 2015. Collection method: not provided. Allele origin: germline. Inheritance: Autosomal dominant inheritance. Affected: yes.

NM_001005373.4(LRSAM1):c.321+38T>C

Gene: LRSAM1 (leucine rich repeat and sterile alpha motif containing 1; plus strand). Cytogenetic location: 9q33.3.
Variant type: single nucleotide variant.
Coding change: c.321+38T>C on transcript NM_001005373.4 (MANE Select); 38 bases into the intron after coding-DNA position 321, T replaced by C.
Molecular consequence: intron variant.
Genome position (GRCh38, 1-based): chr9:127,459,109, T>C. VCF-style: chr9-127459109-T-C. GRCh37 (hg19) VCF-style: chr9-130221388-T-C.
Other names: c.321+38T>C (NM_138361.5, NM_001384142.1, NM_001384143.1 and 2 more transcripts); c.-464+38T>C (NM_001384144.1).
Identifiers: ClinVar variation 670538 (VCV000670538.2), dbSNP rs2243767, ClinGen allele CA5246497.
Genomic context (GRCh38, chr9:127,459,109, plus strand): 5'-TGGGGCAGCTGACTGCCCTCCAGGTAAGGCTGCAGAAACAGAAACCCACCTCGGATGGCC[T>C]TAGTGAGACCAGGCAGTCACTCAAGCCTGGAATGTTCTGGCCGGGCTCCAGCCAGTGGAA-3'